The following is an entry in ClinVar:

ClinVar aggregate classification (germline): Uncertain significance (1 of 4 stars; one submission).

gnomAD v4.1: 6 of 1,614,044 alleles (0.00037%); highest among the groups gnomAD compares: Middle Eastern, 0.016%; no homozygotes.

Submission:

Women's Health and Genetics/Laboratory Corporation of America, LabCorp
Classification: Uncertain significance. Last evaluated: 2025-11-03. Review status: criteria provided, single submitter. Criteria: LabCorp Variant Classification Summary - May 2015. Collection method: clinical testing. Allele origin: germline.
Comment: Variant summary: SYNE1 c.21745T>C (p.Ser7249Pro) results in a non-conservative amino acid change in the encoded protein sequence. Algorithms developed to predict the effect of missense changes on protein structure and function are either unavailable or do not agree on the potential impact of this missense change. The variant allele was found at a frequency of 4e-06 in 251286 control chromosomes. The available data on variant occurrences in the general population are insufficient to allow any conclusion about variant significance. To our knowledge, no occurrence of c.21745T>C in individuals affected with SYNE1-related conditions and no experimental evidence demonstrating its impact on protein function have been reported. No submitters have cited clinical-significance assessments for this variant to ClinVar. Based on the evidence outlined above, the variant was classified as uncertain significance.

NM_182961.4(SYNE1):c.21958T>C (p.Ser7320Pro)

Gene: SYNE1 (spectrin repeat containing nuclear envelope protein 1; minus strand). Cytogenetic location: 6q25.2.
Variant type: single nucleotide variant.
Coding change: c.21958T>C on transcript NM_182961.4 (MANE Select); coding-DNA position 21958, T replaced by C.
Protein change: p.Ser7320Pro; replaces serine 7320 with proline.
Molecular consequence: missense variant.
Genome position (GRCh38, 1-based): chr6:152,219,089, A>G on the plus strand (T>C on the coding strand, the complement: SYNE1 is on the minus strand). VCF-style: chr6-152219089-A-G. GRCh37 (hg19) VCF-style: chr6-152540224-A-G.
Other names: c.21745T>C, p.Ser7249Pro (NM_033071.5); short protein forms S7249P, S7320P.
Identifiers: ClinVar variation 4537122 (VCV004537122.1).